The following is an entry in ClinVar:

ClinVar aggregate classification (germline): Uncertain significance (1 of 4 stars; one submission).

Conditions:
Inborn genetic diseases. Identifiers: MedGen C0950123, MeSH D030342.

Submission:

Ambry Genetics
Classification: Uncertain significance for Inborn genetic diseases. Last evaluated: 2025-09-11. Review status: criteria provided, single submitter. Criteria: Ambry Variant Classification Scheme 2023. Collection method: clinical testing. Allele origin: germline.
Comment: The p.Y551H variant (also known as c.1651T>C), located in coding exon 11 of the ERCC6L2 gene, results from a T to C substitution at nucleotide position 1651. The tyrosine at codon 551 is replaced by histidine, an amino acid with similar properties. This amino acid position is conserved. In addition, the in silico prediction for this alteration is inconclusive. Based on the available evidence, the clinical significance of this variant remains unclear.

NM_020207.7(ERCC6L2):c.1651T>C (p.Tyr551His)

Gene: ERCC6L2 (ERCC excision repair 6 like 2; plus strand). Cytogenetic location: 9q22.32.
Variant type: single nucleotide variant.
Coding change: c.1651T>C on transcript NM_020207.7 (MANE Select); coding-DNA position 1651, T replaced by C.
Protein change: p.Tyr551His; replaces tyrosine 551 with histidine.
Molecular consequence: missense variant. On other transcripts: non-coding transcript variant (1).
Genome position (GRCh38, 1-based): chr9:95,928,764, T>C. VCF-style: chr9-95928764-T-C. GRCh37 (hg19) VCF-style: chr9-98691046-T-C.
Other names: c.1651T>C, p.Tyr551His (NM_001010895.4, NM_001375291.1, NM_001375292.1 and 2 more transcripts); short protein forms Y551H.
Identifiers: ClinVar variation 4250645 (VCV004250645.1).